The following is an entry in ClinVar:

ClinVar aggregate classification (germline): Uncertain significance (1 of 4 stars; one submission).

Conditions:
Perlman syndrome (PRLMNS). Identifiers: Orphanet 2849, MedGen C0796113, MONDO:0009965, OMIM 267000.

Submission:

Labcorp Genetics (formerly Invitae), Labcorp
Classification: Uncertain significance for Perlman syndrome. Last evaluated: 2022-07-23. Review status: criteria provided, single submitter. Criteria: Invitae Variant Classification Sherloc (09022015). Collection method: clinical testing. Allele origin: germline.
Comment: In summary, the available evidence is currently insufficient to determine the role of this variant in disease. Therefore, it has been classified as a Variant of Uncertain Significance. Algorithms developed to predict the effect of missense changes on protein structure and function are either unavailable or do not agree on the potential impact of this missense change (SIFT: "Tolerated"; PolyPhen-2: "Possibly Damaging"; Align-GVGD: "Class C0"). This variant has not been reported in the literature in individuals affected with DIS3L2-related conditions. This variant is not present in population databases (gnomAD no frequency). This sequence change replaces proline, which is neutral and non-polar, with alanine, which is neutral and non-polar, at codon 814 of the DIS3L2 protein (p.Pro814Ala).

NM_152383.5(DIS3L2):c.2440C>G (p.Pro814Ala)

Gene: DIS3L2 (DIS3 like 3'-5' exoribonuclease 2; plus strand). Cytogenetic location: 2q37.1.
Variant type: single nucleotide variant.
Coding change: c.2440C>G on transcript NM_152383.5 (MANE Select); coding-DNA position 2440, C replaced by G.
Protein change: p.Pro814Ala; replaces proline 814 with alanine.
Molecular consequence: missense variant. On other transcripts: non-coding transcript variant (2), intron variant (1).
Genome position (GRCh38, 1-based): chr2:232,335,818, C>G. VCF-style: chr2-232335818-C-G. GRCh37 (hg19) VCF-style: chr2-233200528-C-G.
Other names: c.1582-7527C>G (NM_001257281.2); short protein forms P814A.
Identifiers: ClinVar variation 1713436 (VCV001713436.5), dbSNP rs2469452890, ClinGen allele CA350978234.